The following is an entry in ClinVar:

ClinVar aggregate classification (germline): Uncertain significance (1 of 4 stars; one submission).

Allele frequency attached by ClinVar (database versions not stated): gnomAD exomes below 0.00001; ExAC 0.00002.
gnomAD v4.1: 1 of 1,613,114 alleles (0.000062%); highest among the groups gnomAD compares: Non-Finnish European, 0.000085%; no homozygotes.

Submission:

Labcorp Genetics (formerly Invitae), Labcorp
Classification: Uncertain significance. Last evaluated: 2023-10-16. Review status: criteria provided, single submitter. Criteria: Invitae Variant Classification Sherloc (09022015). Collection method: clinical testing. Allele origin: germline.
Comment: This sequence change replaces histidine, which is basic and polar, with tyrosine, which is neutral and polar, at codon 269 of the ELOVL5 protein (p.His269Tyr). This variant is present in population databases (rs771957174, gnomAD 0.002%). This variant has not been reported in the literature in individuals affected with ELOVL5-related conditions. ClinVar contains an entry for this variant (Variation ID: 1930496). Algorithms developed to predict the effect of missense changes on protein structure and function output the following: SIFT: "Not Available"; PolyPhen-2: "Benign"; Align-GVGD: "Not Available". The tyrosine amino acid residue is found in multiple mammalian species, which suggests that this missense change does not adversely affect protein function. In summary, the available evidence is currently insufficient to determine the role of this variant in disease. Therefore, it has been classified as a Variant of Uncertain Significance.

NM_021814.5(ELOVL5):c.805C>T (p.His269Tyr)

Gene: ELOVL5 (ELOVL fatty acid elongase 5; minus strand). Cytogenetic location: 6p12.1.
Variant type: single nucleotide variant.
Coding change: c.805C>T on transcript NM_021814.5 (MANE Select); coding-DNA position 805, C replaced by T.
Protein change: p.His269Tyr; replaces histidine 269 with tyrosine.
Molecular consequence: missense variant.
Genome position (GRCh38, 1-based): chr6:53,269,222, G>A on the plus strand (C>T on the coding strand, the complement: ELOVL5 is on the minus strand). VCF-style: chr6-53269222-G-A. GRCh37 (hg19) VCF-style: chr6-53134020-G-A.
Other names: c.886C>T, p.His296Tyr (NM_001242828.2); c.680C>T, p.Pro227Leu (NM_001242830.2); c.805C>T, p.His269Tyr (NM_001301856.2); short protein forms P227L, H269Y, H296Y.
Identifiers: ClinVar variation 1930496 (VCV001930496.5), dbSNP rs771957174, ClinGen allele CA3859612.
Genomic context (GRCh38, chr6:53,269,222, plus strand): 5'-TTTCCAGGGGTGAAAAGCTGTTGGTGTGTCCATTCACAGCAGCCATGGACCCATTCTGGT[G>A]GTCCTTCAGGTGGTCTTTCCTTCGGGAGGCCCCTTTCTTGTTGTAGGTCTAAAATGTGTA-3'
Protein context (NP_068586.1, residues 259-279): ASRRKDHLKD[His269Tyr]QNGSMAAVNG